The following is an entry in ClinVar:

ClinVar aggregate classification (germline): Likely pathogenic (1 of 4 stars; one submission).

Conditions:
Juvenile retinoschisis (RS1). Also called: X-Linked Juvenile Retinoschisis; X-linked retinoschisis. Identifiers: Orphanet 792, MedGen C3714753, MONDO:0010725, OMIM 312700.

Submission:

Juno Genomics, Hangzhou Juno Genomics, Inc
Classification: Likely pathogenic for Juvenile retinoschisis. Review status: criteria provided, single submitter. Criteria: ACMG Guidelines, 2015. Collection method: clinical testing. Allele origin: germline.
Comment: Absent from controls (or at extremely low frequency if recessive) in Genome Aggregation Database.;Multiple lines of computational evidence support a deleterious effect on the gene or gene product.;Patient's phenotype or family history is highly specific for a disease with a single genetic etiology.

NM_000330.4(RS1):c.628A>T (p.Ile210Phe)

Genes: CDKL5 (cyclin dependent kinase like 5; plus strand), RS1 (retinoschisin 1; minus strand). Cytogenetic location: Xp22.13.
Variant type: single nucleotide variant.
Coding change: c.628A>T on transcript NM_000330.4 (MANE Select); coding-DNA position 628, A replaced by T.
Protein change: p.Ile210Phe; replaces isoleucine 210 with phenylalanine.
Molecular consequence: missense variant. On other transcripts: intron variant (2).
Genome position (GRCh38, 1-based): chrX:18,642,051, T>A on the plus strand (A>T on the coding strand, the complement: RS1 is on the minus strand). VCF-style: chrX-18642051-T-A. GRCh37 (hg19) VCF-style: chrX-18660171-T-A.
Other names: c.2714-3956T>A (NM_003159.3, NM_001037343.2); short protein forms I210F.
Identifiers: ClinVar variation 5020040 (VCV005020040.2).
Genomic context (GRCh38, chrX:18,642,051, plus strand): 5'-GCTGAGGCAGGCATCAGGCACACTTGCTGACGCACTCCAGCAGCTCCATCCGGATGGCAA[T>A]GCGGACGTGCCAGCCCAGCGGGATGAGGCGGATGAAGCGGGAGATGATGGGGGGCCGCAG-3'
Protein context (NP_000321.1, residues 200-220): RLIPLGWHVR[Ile210Phe]AIRMELLECV